The following is an entry in ClinVar:

ClinVar aggregate classification (germline): Pathogenic/Likely pathogenic. Review status: criteria provided, multiple submitters, no conflicts (2 of 4 stars). 4 submissions from 4 submitters: Pathogenic (1); Likely pathogenic (3). Last evaluated 2025-12-17.

Conditions:
Galactosylceramide beta-galactosidase deficiency. Also called: Leukodystrophy, Globoid Cell; Krabbe Disease; GALACTOCEREBROSIDASE DEFICIENCY; GALC DEFICIENCY; GLOBOID CELL LEUKOENCEPHALOPATHY. Identifiers: Orphanet 487, MedGen C0023521, MONDO:0009499, OMIM 245200.

Allele frequency attached by ClinVar (database versions not stated): TOPMed below 0.00001; ExAC 0.00001; gnomAD exomes 0.00001 and 0.00003; gnomAD 0.00002.
gnomAD v4.1: 43 of 1,613,302 alleles (0.0027%); highest among the groups gnomAD compares: Non-Finnish European, 0.0036%; no homozygotes.

Submissions (4):

Labcorp Genetics (formerly Invitae), Labcorp
Classification: Likely pathogenic for Galactosylceramide beta-galactosidase deficiency. Last evaluated: 2025-12-17. Review status: criteria provided, single submitter. Criteria: Invitae Variant Classification Sherloc (09022015). Collection method: clinical testing. Allele origin: germline.
Comment: This sequence change replaces tryptophan, which is neutral and slightly polar, with arginine, which is basic and polar, at codon 131 of the GALC protein (p.Trp131Arg). This variant is present in population databases (rs746507078, gnomAD 0.003%). This missense change has been observed in individual(s) with clinical features of Krabbe disease (PMID: 22520351, 26795590). This variant is also known as p.W115R. ClinVar contains an entry for this variant (Variation ID: 872579). Invitae Evidence Modeling of protein sequence and biophysical properties (such as structural, functional, and spatial information, amino acid conservation, physicochemical variation, residue mobility, and thermodynamic stability) indicates that this missense variant is expected to disrupt GALC protein function with a positive predictive value of 95%. Experimental studies have shown that this missense change affects GALC function (PMID: 27638593). In summary, the currently available evidence indicates that the variant is pathogenic, but additional data are needed to prove that conclusively. Therefore, this variant has been classified as Likely Pathogenic.

GeneDx
Classification: Likely pathogenic. Last evaluated: 2025-06-05. Review status: criteria provided, single submitter. Criteria: GeneDx Variant Classification Process June 2021. Collection method: clinical testing. Allele origin: germline. Affected: yes.
Comment: Published functional studies found this variant is associated with significantly reduced GALC activity (PMID: 27638593); Not observed at significant frequency in large population cohorts (gnomAD); In silico analysis supports that this missense variant has a deleterious effect on protein structure/function; Also known as p.(W115R); This variant is associated with the following publications: (PMID: 27638593, 22520351, 40017455, 26795590)

Revvity Omics, Revvity
Classification: Likely pathogenic. Last evaluated: 2024-04-29. Review status: criteria provided, single submitter. Criteria: ACMG Guidelines, 2015. Collection method: clinical testing. Allele origin: germline.

CeGaT Center for Human Genetics Tuebingen
Classification: Pathogenic. Last evaluated: 2017-11-01. Review status: criteria provided, single submitter. Criteria: CeGaT Center For Human Genetics Tuebingen Variant Classification Criteria Version 2. Collection method: clinical testing. Allele origin: germline. Affected: yes. Observed: 1 variant allele.

Literature cited by the submitters: PubMed 22520351 (cited by Labcorp Genetics (formerly Invitae), Labcorp); PubMed 26795590 (cited by Labcorp Genetics (formerly Invitae), Labcorp); PubMed 27638593 (cited by Labcorp Genetics (formerly Invitae), Labcorp).

NM_000153.4(GALC):c.391T>C (p.Trp131Arg)

Gene: GALC (galactosylceramidase; minus strand). Cytogenetic location: 14q31.3.
Variant type: single nucleotide variant.
Coding change: c.391T>C on transcript NM_000153.4 (MANE Select); coding-DNA position 391, T replaced by C.
Protein change: p.Trp131Arg; replaces tryptophan 131 with arginine.
Molecular consequence: missense variant.
Genome position (GRCh38, 1-based): chr14:87,986,540, A>G on the plus strand (T>C on the coding strand, the complement: GALC is on the minus strand). VCF-style: chr14-87986540-A-G. GRCh37 (hg19) VCF-style: chr14-88452884-A-G.
Other names: c.391T>C (NM_000153.3); c.322T>C, p.Trp108Arg (NM_001201401.2); c.313T>C, p.Trp105Arg (NM_001201402.2); short protein forms W105R, W108R, W131R.
Identifiers: ClinVar variation 872579 (VCV000872579.48), dbSNP rs746507078, ClinGen allele CA7297399.
Genomic context (GRCh38, chr14:87,986,540, plus strand): 5'-ATTTCTTACCAATGAGTGTAATATTGGGATTCCTCTTCTTAGCTTCTTTCATCAACCACC[A>G]CTCGTATCCTCGGAAATAATTCTCATCTAGTGCATAATGCATGTGGGAGGGCTCAGTGCC-3'
Protein context (NP_000144.2, residues 121-141): LDENYFRGYE[Trp131Arg]WLMKEAKKRN